The following is an entry in ClinVar:

ClinVar aggregate classification (germline): Uncertain significance (1 of 4 stars; one submission).

Conditions:
Duchenne muscular dystrophy (DMD). Also called: MUSCULAR DYSTROPHY, PSEUDOHYPERTROPHIC PROGRESSIVE, DUCHENNE TYPE; Duchenne Muscular Dystrophy (DMD). Identifiers: Orphanet 98896, MedGen C0013264, MONDO:0010679, OMIM 310200.

Allele frequency attached by ClinVar (database versions not stated): gnomAD exomes below 0.00001.
gnomAD v4.1: 3 of 1,208,173 alleles (0.00025%); highest among the groups gnomAD compares: Non-Finnish European, 0.00034%; no homozygotes.

Submission:

Labcorp Genetics (formerly Invitae), Labcorp
Classification: Uncertain significance for Duchenne muscular dystrophy. Last evaluated: 2024-10-16. Review status: criteria provided, single submitter. Criteria: Invitae Variant Classification Sherloc (09022015). Collection method: clinical testing. Allele origin: germline.
Comment: This sequence change replaces glutamic acid, which is acidic and polar, with lysine, which is basic and polar, at codon 55 of the DMD protein (p.Glu55Lys). This variant is not present in population databases (gnomAD no frequency). This variant has not been reported in the literature in individuals affected with DMD-related conditions. ClinVar contains an entry for this variant (Variation ID: 665262). Invitae Evidence Modeling of protein sequence and biophysical properties (such as structural, functional, and spatial information, amino acid conservation, physicochemical variation, residue mobility, and thermodynamic stability) has been performed for this missense variant. However, the output from this modeling did not meet the statistical confidence thresholds required to predict the impact of this variant on DMD protein function. In summary, the available evidence is currently insufficient to determine the role of this variant in disease. Therefore, it has been classified as a Variant of Uncertain Significance.

NM_004006.3(DMD):c.163G>A (p.Glu55Lys)

Gene: DMD (dystrophin; minus strand). Cytogenetic location: Xp21.1.
Variant type: single nucleotide variant.
Coding change: c.163G>A on transcript NM_004006.3 (MANE Select); coding-DNA position 163, G replaced by A.
Protein change: p.Glu55Lys; replaces glutamic acid 55 with lysine.
Molecular consequence: missense variant. On other transcripts: 5 prime UTR variant (1).
Genome position (GRCh38, 1-based): chrX:32,849,751, C>T on the plus strand (G>A on the coding strand, the complement: DMD is on the minus strand). VCF-style: chrX-32849751-C-T. GRCh37 (hg19) VCF-style: chrX-32867868-C-T.
Other names: c.139G>A, p.Glu47Lys (NM_000109.4); c.151G>A, p.Glu51Lys (NM_004009.3); c.-207G>A (NM_004010.3); short protein forms E47K, E55K, E51K.
Identifiers: ClinVar variation 665262 (VCV000665262.6), dbSNP rs1603448406, ClinGen allele CA412674860.
Genomic context (GRCh38, chrX:32,849,751, plus strand): 5'-AGTTTAAAGTTAACTTTCTTAAAAATAAGTCACATACCAGTTTTTGCCCTGTCAGGCCTT[C>T]GAGGAGGTCTAGGAGGCGCCTCCCATCCTGTAGGTCACTGAAGAGGTTCTCAATATGCTG-3'
Protein context (NP_003997.2, residues 45-65): QDGRRLLDLL[Glu55Lys]GLTGQKLPKE